The following is an entry in ClinVar:

ClinVar aggregate classification (germline): Uncertain significance (1 of 4 stars; one submission).

Conditions:
Cardiovascular phenotype. Identifiers: MedGen CN230736.

gnomAD v4.1: 6 of 1,612,500 alleles (0.00037%); highest among the groups gnomAD compares: Non-Finnish European, 0.00042%; no homozygotes.

Submission:

Ambry Genetics
Classification: Uncertain significance for Cardiovascular phenotype. Last evaluated: 2024-08-05. Review status: criteria provided, single submitter. Criteria: Ambry Variant Classification Scheme 2023. Collection method: clinical testing. Allele origin: germline.
Comment: The p.R1880P variant (also known as c.5639G>C), located in coding exon 23 of the AKAP9 gene, results from a G to C substitution at nucleotide position 5639. The arginine at codon 1880 is replaced by proline, an amino acid with dissimilar properties. This amino acid position is well conserved in available vertebrate species. In addition, this alteration is predicted to be tolerated by in silico analysis. The evidence for this gene-disease relationship is limited; therefore, the clinical significance of this alteration is unclear.

NM_005751.5(AKAP9):c.5639G>C (p.Arg1880Pro)

Gene: AKAP9 (A-kinase anchoring protein 9; plus strand). Cytogenetic location: 7q21.2.
Variant type: single nucleotide variant.
Coding change: c.5639G>C on transcript NM_005751.5 (MANE Select); coding-DNA position 5639, G replaced by C.
Protein change: p.Arg1880Pro; replaces arginine 1880 with proline.
Molecular consequence: missense variant.
Genome position (GRCh38, 1-based): chr7:92,061,297, G>C. VCF-style: chr7-92061297-G-C. GRCh37 (hg19) VCF-style: chr7-91690611-G-C.
Other names: c.284G>C, p.Arg95Pro (NM_001379277.1); c.5639G>C, p.Arg1880Pro (NM_147185.3); short protein forms R1880P, R95P.
Identifiers: ClinVar variation 666368 (VCV000666368.1).